The following is an entry in ClinVar:

ClinVar aggregate classification (germline): Pathogenic (1 of 4 stars; one submission).

Conditions:
Neurofibromatosis, type 2 (SWNV). Also called: NF2-Related Schwannomatosis; BILATERAL ACOUSTIC NEUROFIBROMATOSIS; SCHWANNOMATOSIS, VESTIBULAR. Identifiers: Orphanet 637, MedGen C0027832, MONDO:0007039, OMIM 101000. Disease mechanism: loss of function.

Submission:

St. Jude Molecular Pathology, St. Jude Children's Research Hospital
Classification: Pathogenic for Neurofibromatosis, type 2. Last evaluated: 2025-06-17. Review status: criteria provided, single submitter. Criteria: St. Jude Assertion Criteria 2020. Collection method: clinical testing. Allele origin: germline.
Comment: The NF2 c.335del p.(Glu112GlyfsTer11) change deletes one nucleotide to cause a frameshift and the creation of a premature stop codon. This change is predicted to cause protein truncation or absence of protein due to nonsense-mediated decay. This variant is absent in gnomAD v2.1.1. In summary, this variant meets criteria to be classified as pathogenic.

NM_000268.4(NF2):c.335del (p.Glu112fs)

Gene: NF2 (NF2, moesin-ezrin-radixin like (MERLIN) tumor suppressor; plus strand). Cytogenetic location: 22q12.2.
Variant type: Deletion.
Coding change: c.335del on transcript NM_000268.4 (MANE Select); coding-DNA position 335, one base deleted (A; older notation c.335delA).
Protein change: p.Glu112fs; shifts the reading frame from glutamic acid 112.
Molecular consequence: frameshift variant. On other transcripts: 5 prime UTR variant (1), intron variant (8).
Genome position (GRCh38, 1-based): chr22:29,639,184, A deleted. VCF-style (leftmost placement, unchanged base first): chr22-29639183-GA-G. GRCh37 (hg19) VCF-style: chr22-30035172-GA-G.
Other names: c.335delA, p.Glu112Glyfs (NM_000268.3); c.221del, p.Glu74fs (NM_001407053.1, NM_001407056.1); c.209del, p.Glu70fs (NM_001407055.1, NM_181828.3); c.335del, p.Glu112fs (NM_001407057.1, NM_001407059.1, NM_001407060.1 and 5 more transcripts); c.-306del (NM_001407065.1); c.104del, p.Glu35fs (NM_001407067.1); c.240+2308del (NM_001407058.1, NM_181829.3, NM_001407054.1 and 1 more transcripts); c.115-3018del (NM_001407063.1, NM_181830.3, NM_001407064.1 and 1 more transcripts); short protein forms E35fs, E74fs, E112fs, E70fs.
Identifiers: ClinVar variation 4056128 (VCV004056128.2).